The following is an entry in ClinVar:

NM_177438.3(DICER1):c.5427G>A (p.Gly1809=)

Gene: DICER1 (dicer 1, ribonuclease III; minus strand). Cytogenetic location: 14q32.13.
Variant type: single nucleotide variant.
Coding change: c.5427G>A on transcript NM_177438.3 (MANE Select); coding-DNA position 5427, G replaced by A.
Protein change: p.Gly1809=; no amino-acid change (glycine 1809 retained).
Molecular consequence: synonymous variant. On other transcripts: intron variant (1).
Genome position (GRCh38, 1-based): chr14:95,091,303, C>T on the plus strand (G>A on the coding strand, the complement: DICER1 is on the minus strand). VCF-style: chr14-95091303-C-T. GRCh37 (hg19) VCF-style: chr14-95557640-C-T.
Other names: c.5427G>A, p.Gly1809= (NM_001271282.3, NM_001291628.2, NM_030621.4); c.5365-194G>A (NM_001195573.1).
Identifiers: ClinVar variation 1118715 (VCV001118715.18), dbSNP rs1060504981, ClinGen allele CA487843728.

ClinVar aggregate classification (germline): Likely benign. Review status: criteria provided, multiple submitters, no conflicts (2 of 4 stars). 3 submissions from 3 submitters: Likely benign (3). Last evaluated 2025-11-01.

Conditions:
DICER1-related tumor predisposition. Also called: DICER1-related pleuropulmonary blastoma cancer predisposition syndrome; DICER1 syndrome. Identifiers: Orphanet 284343, MedGen C3839822, MONDO:0100216.
Hereditary cancer-predisposing syndrome. Also called: Tumor predisposition; Hereditary neoplastic syndrome; Hereditary Cancer Syndrome; Neoplastic Syndromes, Hereditary. Identifiers: Orphanet 140162, MedGen C0027672, MeSH D009386, MONDO:0015356.

Allele frequency attached by ClinVar (database versions not stated): gnomAD exomes 0.00001.
gnomAD v4.1: 11 of 1,614,052 alleles (0.00068%); highest among the groups gnomAD compares: Non-Finnish European, 0.00093%; no homozygotes.

Submissions (3):

CeGaT Center for Human Genetics Tuebingen
Classification: Likely benign. Last evaluated: 2025-11-01. Review status: criteria provided, single submitter. Criteria: CeGaT Center For Human Genetics Tuebingen Variant Classification Criteria Version 2. Collection method: clinical testing. Allele origin: germline. Affected: yes. Observed: 1 variant allele.
Comment: DICER1: BP4, BP7

Labcorp Genetics (formerly Invitae), Labcorp
Classification: Likely benign for DICER1-related tumor predisposition. Last evaluated: 2023-07-31. Review status: criteria provided, single submitter. Criteria: Invitae Variant Classification Sherloc (09022015). Collection method: clinical testing. Allele origin: germline.

Ambry Genetics
Classification: Likely benign for Hereditary cancer-predisposing syndrome. Last evaluated: 2021-08-10. Review status: criteria provided, single submitter. Criteria: Ambry Variant Classification Scheme 2023. Collection method: clinical testing. Allele origin: germline.